The following is an entry in ClinVar:

NM_003200.5(TCF3):c.940G>T (p.Ala314Ser)

Gene: TCF3 (transcription factor 3; minus strand). Cytogenetic location: 19p13.3.
Variant type: single nucleotide variant.
Coding change: c.940G>T on transcript NM_003200.5 (MANE Select); coding-DNA position 940, G replaced by T.
Protein change: p.Ala314Ser; replaces alanine 314 with serine.
Molecular consequence: missense variant.
Genome position (GRCh38, 1-based): chr19:1,621,853, C>A on the plus strand (G>T on the coding strand, the complement: TCF3 is on the minus strand). VCF-style: chr19-1621853-C-A. GRCh37 (hg19) VCF-style: chr19-1621852-C-A.
Other names: c.940G>T, p.Ala314Ser (NM_001136139.4, NM_001351778.2, NM_001351779.2); short protein forms A314S.
Identifiers: ClinVar variation 1897895 (VCV001897895.5), dbSNP rs1392535448, ClinGen allele CA403054954.
Genomic context (GRCh38, chr19:1,621,853, plus strand): 5'-CCCAGTGTCCCCTCGGAGAGGCCGCATCCCAGGGAGGGGCCATACCCAGGAGGCTGTCGG[C>A]CCCGCTGACAGGCGGCGTGTGGCTGGAGACGCCGCCGTACGTGGCTCCGGGGGCTGAGGA-3'
Protein context (NP_003191.1, residues 304-324): VSSHTPPVSG[Ala314Ser]DSLLGSRGTT

ClinVar aggregate classification (germline): Uncertain significance (1 of 4 stars; one submission).

Allele frequency attached by ClinVar (database versions not stated): gnomAD exomes below 0.00001.
gnomAD v4.1: 1 of 1,591,124 alleles (0.000063%); highest among the groups gnomAD compares: Non-Finnish European, 0.000085%; no homozygotes.

Submission:

Labcorp Genetics (formerly Invitae), Labcorp
Classification: Uncertain significance. Last evaluated: 2022-10-05. Review status: criteria provided, single submitter. Criteria: Invitae Variant Classification Sherloc (09022015). Collection method: clinical testing. Allele origin: germline.
Comment: In summary, the available evidence is currently insufficient to determine the role of this variant in disease. Therefore, it has been classified as a Variant of Uncertain Significance. Advanced modeling of protein sequence and biophysical properties (such as structural, functional, and spatial information, amino acid conservation, physicochemical variation, residue mobility, and thermodynamic stability) performed at Invitae indicates that this missense variant is not expected to disrupt TCF3 protein function. This variant has not been reported in the literature in individuals affected with TCF3-related conditions. This variant is not present in population databases (gnomAD no frequency). This sequence change replaces alanine, which is neutral and non-polar, with serine, which is neutral and polar, at codon 314 of the TCF3 protein (p.Ala314Ser).